The following is an entry in ClinVar:

NM_000057.4(BLM):c.2317A>G (p.Ser773Gly)

Gene: BLM (BLM RecQ like helicase; plus strand). Cytogenetic location: 15q26.1.
Variant type: single nucleotide variant.
Coding change: c.2317A>G on transcript NM_000057.4 (MANE Select); coding-DNA position 2317, A replaced by G.
Protein change: p.Ser773Gly; replaces serine 773 with glycine.
Molecular consequence: missense variant.
Genome position (GRCh38, 1-based): chr15:90,769,142, A>G. VCF-style: chr15-90769142-A-G. GRCh37 (hg19) VCF-style: chr15-91312372-A-G.
Other names: c.2317A>G, p.Ser773Gly (NM_001287246.2, NM_001287247.2); c.1192A>G, p.Ser398Gly (NM_001287248.2); short protein forms S398G, S773G.
Identifiers: ClinVar variation 2837165 (VCV002837165.3), dbSNP rs2505454114, ClinGen allele CA393845040.

ClinVar aggregate classification (germline): Uncertain significance (1 of 4 stars; one submission).

Conditions:
Bloom syndrome (BLM). Also called: Bloom-Torre-Machacek syndrome. Identifiers: Orphanet 125, MedGen C0005859, MONDO:0008876, OMIM 210900.

Submission:

Labcorp Genetics (formerly Invitae), Labcorp
Classification: Uncertain significance for Bloom syndrome. Last evaluated: 2023-02-14. Review status: criteria provided, single submitter. Criteria: Invitae Variant Classification Sherloc (09022015). Collection method: clinical testing. Allele origin: germline.
Comment: This sequence change replaces serine, which is neutral and polar, with glycine, which is neutral and non-polar, at codon 773 of the BLM protein (p.Ser773Gly). This variant is not present in population databases (gnomAD no frequency). This variant has not been reported in the literature in individuals affected with BLM-related conditions. Advanced modeling of protein sequence and biophysical properties (such as structural, functional, and spatial information, amino acid conservation, physicochemical variation, residue mobility, and thermodynamic stability) performed at Invitae indicates that this missense variant is expected to disrupt BLM protein function. In summary, the available evidence is currently insufficient to determine the role of this variant in disease. Therefore, it has been classified as a Variant of Uncertain Significance.